The following is an entry in ClinVar:

NM_001365999.1(SZT2):c.4642G>T (p.Gly1548Trp)

Gene: SZT2 (SZT2 subunit of KICSTOR complex; plus strand). Cytogenetic location: 1p34.2.
Variant type: single nucleotide variant.
Coding change: c.4642G>T on transcript NM_001365999.1 (MANE Select); coding-DNA position 4642, G replaced by T.
Protein change: p.Gly1548Trp; replaces glycine 1548 with tryptophan.
Molecular consequence: missense variant.
Genome position (GRCh38, 1-based): chr1:43,430,657, G>T. VCF-style: chr1-43430657-G-T. GRCh37 (hg19) VCF-style: chr1-43896328-G-T.
Other names: c.4471G>T, p.Gly1491Trp (NM_015284.4); short protein forms G1548W, G1491W.
Identifiers: ClinVar variation 1369135 (VCV001369135.9), dbSNP rs201357769, ClinGen allele CA809339.

ClinVar aggregate classification (germline): Uncertain significance. Review status: criteria provided, multiple submitters, no conflicts (2 of 4 stars). 3 submissions from 3 submitters: Uncertain significance (3). Last evaluated 2025-02-22.

Conditions:
Developmental and epileptic encephalopathy, 18 (DEE18). Also called: Early infantile epileptic encephalopathy 18. Identifiers: Orphanet 369894, MedGen C3809624, MONDO:0014201, OMIM 615476.
Inborn genetic diseases. Identifiers: MedGen C0950123, MeSH D030342.

gnomAD v4.1: 34 of 1,614,022 alleles (0.0021%); highest among the groups gnomAD compares: Non-Finnish European, 0.0027%; no homozygotes.

Submissions (3):

Ambry Genetics
Classification: Uncertain significance for Inborn genetic diseases. Last evaluated: 2025-02-22. Review status: criteria provided, single submitter. Criteria: Ambry Variant Classification Scheme 2023. Collection method: clinical testing. Allele origin: germline.

Labcorp Genetics (formerly Invitae), Labcorp
Classification: Uncertain significance. Last evaluated: 2023-12-06. Review status: criteria provided, single submitter. Criteria: Invitae Variant Classification Sherloc (09022015). Collection method: clinical testing. Allele origin: germline.
Comment: This sequence change replaces glycine, which is neutral and non-polar, with tryptophan, which is neutral and slightly polar, at codon 1491 of the SZT2 protein (p.Gly1491Trp). This variant is present in population databases (rs201357769, gnomAD 0.003%). This variant has not been reported in the literature in individuals affected with SZT2-related conditions. ClinVar contains an entry for this variant (Variation ID: 1369135). Advanced modeling of protein sequence and biophysical properties (such as structural, functional, and spatial information, amino acid conservation, physicochemical variation, residue mobility, and thermodynamic stability) performed at Invitae indicates that this missense variant is expected to disrupt SZT2 protein function with a positive predictive value of 80%. In summary, the available evidence is currently insufficient to determine the role of this variant in disease. Therefore, it has been classified as a Variant of Uncertain Significance.

Genome-Nilou Lab
Classification: Uncertain significance for Developmental and epileptic encephalopathy, 18. Last evaluated: 2023-04-11. Review status: criteria provided, single submitter. Criteria: ACMG Guidelines, 2015. Collection method: clinical testing. Allele origin: germline. Affected: no.